The following is an entry in ClinVar:

ClinVar aggregate classification (germline): Uncertain significance (1 of 4 stars; one submission).

Conditions:
Dyskeratosis congenita. Identifiers: Orphanet 1775, MedGen C0265965, MONDO:0015780.

Allele frequency attached by ClinVar (database versions not stated): gnomAD exomes 0.00001.
gnomAD v4.1: 7 of 1,569,858 alleles (0.00045%); highest among the groups gnomAD compares: Non-Finnish European, 0.00061%; no homozygotes.

Submission:

Labcorp Genetics (formerly Invitae), Labcorp
Classification: Uncertain significance for Dyskeratosis congenita. Last evaluated: 2021-12-16. Review status: criteria provided, single submitter. Criteria: Invitae Variant Classification Sherloc (09022015). Collection method: clinical testing. Allele origin: germline.
Comment: This variant has not been reported in the literature in individuals affected with CTC1-related conditions. This sequence change replaces alanine, which is neutral and non-polar, with valine, which is neutral and non-polar, at codon 578 of the CTC1 protein (p.Ala578Val). This variant is not present in population databases (gnomAD no frequency). Algorithms developed to predict the effect of missense changes on protein structure and function output the following: SIFT: "Deleterious"; PolyPhen-2: "Benign"; Align-GVGD: "Class C0". The valine amino acid residue is found in multiple mammalian species, which suggests that this missense change does not adversely affect protein function. In summary, the available evidence is currently insufficient to determine the role of this variant in disease. Therefore, it has been classified as a Variant of Uncertain Significance.

NM_025099.6(CTC1):c.1733C>T (p.Ala578Val)

Gene: CTC1 (CST telomere replication complex component 1; minus strand). Cytogenetic location: 17p13.1.
Variant type: single nucleotide variant.
Coding change: c.1733C>T on transcript NM_025099.6 (MANE Select); coding-DNA position 1733, C replaced by T.
Protein change: p.Ala578Val; replaces alanine 578 with valine.
Molecular consequence: missense variant. On other transcripts: non-coding transcript variant (1).
Genome position (GRCh38, 1-based): chr17:8,234,540, G>A on the plus strand (C>T on the coding strand, the complement: CTC1 is on the minus strand). VCF-style: chr17-8234540-G-A. GRCh37 (hg19) VCF-style: chr17-8137858-G-A.
Other names: c.1733C>T, p.Ala578Val (NM_001411067.1); short protein forms A578V.
Identifiers: ClinVar variation 1988535 (VCV001988535.4), dbSNP rs757067280, ClinGen allele CA8372268.
Genomic context (GRCh38, chr17:8,234,540, plus strand): 5'-AGCAGACAGAGCCAGGACCAAGCCAGGCGGCGATTGAGTTGGCAGCTGGGCAGGTAGGAG[G>A]CCTCCGGGAGGGGCAGAAGGGCCTTAGGGTCAAAGGAGGCCCAGGCCTTACGCTGTCCTT-3'
Protein context (NP_079375.3, residues 568-588): DPKALLPLPE[Ala578Val]SYLPSCQLNR